The following is an entry in ClinVar:

NM_020884.7(MYH7B):c.4081C>T (p.Gln1361Ter)

Gene: MYH7B (myosin heavy chain 7B; plus strand). Cytogenetic location: 20q11.22.
Variant type: single nucleotide variant.
Coding change: c.4081C>T on transcript NM_020884.7 (MANE Select); coding-DNA position 4081, C replaced by T.
Protein change: p.Gln1361Ter; replaces glutamine 1361 with a stop codon.
Molecular consequence: nonsense.
Genome position (GRCh38, 1-based): chr20:34,998,806, C>T. VCF-style: chr20-34998806-C-T. GRCh37 (hg19) VCF-style: chr20-33586609-C-T.
Other names: short protein forms Q1361*.
Identifiers: ClinVar variation 2193280 (VCV002193280.4), dbSNP rs757697240, ClinGen allele CA9827994.

ClinVar aggregate classification (germline): Uncertain significance (1 of 4 stars; one submission).

Allele frequency attached by ClinVar (database versions not stated): ExAC 0.00001; gnomAD 0.00002; TOPMed 0.00002; gnomAD exomes 0.00003.
gnomAD v4.1: 52 of 1,613,100 alleles (0.0032%); highest among the groups gnomAD compares: Non-Finnish European, 0.0043%; no homozygotes.

Submission:

Labcorp Genetics (formerly Invitae), Labcorp
Classification: Uncertain significance. Last evaluated: 2022-09-24. Review status: criteria provided, single submitter. Criteria: Invitae Variant Classification Sherloc (09022015). Collection method: clinical testing. Allele origin: germline.
Comment: This sequence change creates a premature translational stop signal (p.Gln1403*) in the MYH7B gene. It is expected to result in an absent or disrupted protein product. However, the current clinical and genetic evidence is not sufficient to establish whether loss-of-function variants in MYH7B cause disease. This variant is present in population databases (rs757697240, gnomAD 0.0009%). This variant has not been reported in the literature in individuals affected with MYH7B-related conditions. In summary, the available evidence is currently insufficient to determine the role of this variant in disease. Therefore, it has been classified as a Variant of Uncertain Significance.